The following is an entry in ClinVar:

NM_002381.5(MATN3):c.338T>G (p.Leu113Arg)

Gene: MATN3 (matrilin 3; minus strand). Cytogenetic location: 2p24.1.
Variant type: single nucleotide variant.
Coding change: c.338T>G on transcript NM_002381.5 (MANE Select); coding-DNA position 338, T replaced by G.
Protein change: p.Leu113Arg; replaces leucine 113 with arginine.
Molecular consequence: missense variant.
Genome position (GRCh38, 1-based): chr2:20,006,196, A>C on the plus strand (T>G on the coding strand, the complement: MATN3 is on the minus strand). VCF-style: chr2-20006196-A-C. GRCh37 (hg19) VCF-style: chr2-20205957-A-C.
Other names: short protein forms L113R.
Identifiers: ClinVar variation 1309878 (VCV001309878.2), dbSNP rs2103484107, ClinGen allele CA345951299.
Genomic context (GRCh38, chr2:20,006,196, plus strand): 5'-ATCTTCACAGTGCTAGCATAGTTCACCACTGCCACCCGCGTGTCGGCTGGCCCAATGTCC[A>C]GAGTGTCGATTATCCGGGAGACAAAAGTTTTCACTTTGGTGAATTCCAGGGGCCGTACGC-3'
Protein context (NP_002372.1, residues 103-123): KTFVSRIIDT[Leu113Arg]DIGPADTRVA

ClinVar aggregate classification (germline): Uncertain significance (1 of 4 stars; one submission).

Submission:

GeneDx
Classification: Uncertain significance. Last evaluated: 2019-11-07. Review status: criteria provided, single submitter. Criteria: GeneDx Variant Classification Process June 2021. Collection method: clinical testing. Allele origin: germline. Affected: yes.
Comment: Not observed in large population cohorts (Lek et al., 2016); In silico analysis, which includes protein predictors and evolutionary conservation, supports a deleterious effect; Has not been previously published as pathogenic or benign to our knowledge